The following is an entry in ClinVar:

ClinVar aggregate classification (germline): Uncertain significance (0 of 4 stars; one submission).

Conditions:
TKT-related disorder. Also called: TKT-related condition.

Allele frequency attached by ClinVar (database versions not stated): ExAC 0.00002; TOPMed 0.00003; gnomAD 0.00005; gnomAD exomes 0.00005; ESP Exome Variant Server 0.00015.
gnomAD v4.1: 81 of 1,597,256 alleles (0.0051%); highest among the groups gnomAD compares: East Asian, 0.0069%; no homozygotes.

Submission:

PreventionGenetics, part of Exact Sciences
Classification: Uncertain significance for TKT-related condition. Last evaluated: 2024-09-04. Review status: no assertion criteria provided. Collection method: clinical testing. Allele origin: germline.
Comment: The TKT c.280G>A variant is predicted to result in the amino acid substitution p.Glu94Lys. To our knowledge, this variant has not been reported in the literature. This variant is reported in 0.011% of alleles in individuals of East Asian descent in gnomAD. At this time, the clinical significance of this variant is uncertain due to the absence of conclusive functional and genetic evidence.

NM_001064.4(TKT):c.280G>A (p.Glu94Lys)

Gene: TKT (transketolase; minus strand). Cytogenetic location: 3p21.1.
Variant type: single nucleotide variant.
Coding change: c.280G>A on transcript NM_001064.4 (MANE Select); coding-DNA position 280, G replaced by A.
Protein change: p.Glu94Lys; replaces glutamic acid 94 with lysine.
Molecular consequence: missense variant. On other transcripts: non-coding transcript variant (1).
Genome position (GRCh38, 1-based): chr3:53,241,191, C>T on the plus strand (G>A on the coding strand, the complement: TKT is on the minus strand). VCF-style: chr3-53241191-C-T. GRCh37 (hg19) VCF-style: chr3-53275207-C-T.
Other names: c.280G>A, p.Glu94Lys (NM_001135055.3, NM_001258028.2); short protein forms E94K.
Identifiers: ClinVar variation 3054145 (VCV003054145.2), dbSNP rs373896575, ClinGen allele CA2452944.